The following is an entry in ClinVar:

NM_152424.4(AMER1):c.533G>A (p.Arg178His)

Gene: AMER1 (APC membrane recruitment protein 1; minus strand). Cytogenetic location: Xq11.2.
Variant type: single nucleotide variant.
Coding change: c.533G>A on transcript NM_152424.4 (MANE Select); coding-DNA position 533, G replaced by A.
Protein change: p.Arg178His; replaces arginine 178 with histidine.
Molecular consequence: missense variant.
Genome position (GRCh38, 1-based): chrX:64,192,754, C>T on the plus strand (G>A on the coding strand, the complement: AMER1 is on the minus strand). VCF-style: chrX-64192754-C-T. GRCh37 (hg19) VCF-style: chrX-63412634-C-T.
Other names: c.533G>A (NM_152424.3); short protein forms R178H.
Identifiers: ClinVar variation 2660745 (VCV002660745.27), dbSNP rs753930754, ClinGen allele CA10432462.
Genomic context (GRCh38, chrX:64,192,754, plus strand): 5'-TCAGGCCCCTTGGCCCCTGGCTCACTTTGCTCAGCCCCAGTGACCTTGCTCTTCCGGTGA[C>T]GGCGGATACTGCTAAAAAAGCCTTTTAGGCCTTTCTTTGGCTTGGGCATAGAGGGAAACT-3'
Protein context (NP_689637.3, residues 168-188): GLKGFFSSIR[Arg178His]HRKSKVTGAE

ClinVar aggregate classification (germline): Benign/Likely benign. Review status: criteria provided, multiple submitters, no conflicts (2 of 4 stars). 3 submissions from 3 submitters: Benign (1); Likely benign (2). Last evaluated 2026-01-05.

Conditions:
AMER1-related disorder. Also called: AMER1-related condition.

Allele frequency attached by ClinVar (database versions not stated): gnomAD exomes 0.00003; gnomAD 0.00005; TOPMed 0.00006; ExAC 0.00007.
gnomAD v4.1: 45 of 1,205,858 alleles (0.0037%); highest among the groups gnomAD compares: Middle Eastern, 0.023%; no homozygotes.

Submissions (3):

Labcorp Genetics (formerly Invitae), Labcorp
Classification: Benign. Last evaluated: 2026-01-05. Review status: criteria provided, single submitter. Criteria: Invitae Variant Classification Sherloc (09022015). Collection method: clinical testing. Allele origin: germline.

PreventionGenetics, part of Exact Sciences
Classification: Likely benign for AMER1-related condition. Last evaluated: 2025-10-26. Review status: criteria provided, single submitter. Criteria: ACMG Guidelines, 2015. Collection method: clinical testing. Allele origin: germline.
Comment: This variant is classified as likely benign based on ACMG/AMP sequence variant interpretation guidelines (Richards et al. 2015 PMID: 25741868, with internal and published modifications).

CeGaT Center for Human Genetics Tuebingen
Classification: Likely benign. Last evaluated: 2023-06-01. Review status: criteria provided, single submitter. Criteria: CeGaT Center For Human Genetics Tuebingen Variant Classification Criteria Version 2. Collection method: clinical testing. Allele origin: germline. Affected: yes. Observed: 1 variant allele.
Comment: AMER1: BP4, BS2